The following is an entry in ClinVar:

ClinVar aggregate classification (germline): Pathogenic/Likely pathogenic. Review status: criteria provided, multiple submitters, no conflicts (2 of 4 stars). 10 submissions from 10 submitters: Pathogenic (8); Likely pathogenic (1). 1 of the submissions does not count toward it. Last evaluated 2026-05-26.

Conditions:
BTD-related disorder. Also called: BTD-related condition.
Inborn genetic diseases. Identifiers: MedGen C0950123, MeSH D030342.
Biotinidase deficiency. Also called: BTD deficiency; Late-onset biotin-responsive multiple carboxylase deficiency; Biotin deficiency. Identifiers: Orphanet 79241, MedGen C0220754, MONDO:0009665, OMIM 253260.

Allele frequency attached by ClinVar (database versions not stated): ExAC 0.00001; gnomAD exomes 0.00001 and below 0.00001; ESP Exome Variant Server 0.00008; TOPMed below 0.00001.
gnomAD v4.1: 8 of 1,613,404 alleles (0.0005%); highest among the groups gnomAD compares: Admixed American, 0.0033%; no homozygotes.

Submissions (10):

PreventionGenetics, part of Exact Sciences
Classification: Pathogenic for BTD-related condition. Last evaluated: 2026-05-26. Review status: criteria provided, single submitter. Criteria: ACMG Guidelines, 2015. Collection method: clinical testing. Allele origin: germline.
Comment: The BTD c.341G>T variant is predicted to result in the amino acid substitution p.Gly114Val. This variant has been reported in the homozygous state or with another BTD variant in individuals with biotinidase deficiency; in the homozygous state or with a second profound deficiency variant, the c.341G>T (p.Gly114Val) variant has been associated with profound biotinidase deficiency (see for example: Wolf et al. 2005. PubMed ID: 15776412; Wolf et al. 2017. PubMed ID: 27657684; Maguolo et al. 2021. PubMed ID: 34136440; Table S1, Sharma et al. 2024. PubMed ID: 38299772; Ortolano et al. 2025. PubMed ID: 41002989). This variant is reported in 0.0058% of alleles in individuals of Latino descent in gnomAD. This variant is interpreted as pathogenic.

Dasa
Classification: Likely pathogenic. Last evaluated: 2026-02-24. Review status: criteria provided, single submitter. Criteria: DASA Assertion Criteria. Collection method: clinical testing. Allele origin: germline.
Comment: NM_001370658.1(BTD):c.281G>T (p.Gly94Val) is a missense variant that results in the substitution of glycine with valine. This variant has been recurrently observed in individuals with BTD-related disorders (PMID: 15776412; PMID: 20083419; PMID: 27657684). Also, this variant is rare in population databases. Computational evidence supports a deleterious effect. Based on the currently available evidence, this variant is classified as likely pathogenic.

Labcorp Genetics (formerly Invitae), Labcorp
Classification: Pathogenic for Biotinidase deficiency. Last evaluated: 2025-09-01. Review status: criteria provided, single submitter. Criteria: Invitae Variant Classification Sherloc (09022015). Collection method: clinical testing. Allele origin: germline.
Comment: This sequence change replaces glycine, which is neutral and non-polar, with valine, which is neutral and non-polar, at codon 114 of the BTD protein (p.Gly114Val). This variant is present in population databases (rs375712490, gnomAD 0.006%). This missense change has been observed in individual(s) with biotinidase deficiency (PMID: 15776412, 20083419, 27657684). ClinVar contains an entry for this variant (Variation ID: 24999). Invitae Evidence Modeling of protein sequence and biophysical properties (such as structural, functional, and spatial information, amino acid conservation, physicochemical variation, residue mobility, and thermodynamic stability) indicates that this missense variant is expected to disrupt BTD protein function with a positive predictive value of 95%. For these reasons, this variant has been classified as Pathogenic.

Natera, Inc.
Classification: Pathogenic for Biotinidase deficiency. Last evaluated: 2025-06-20. Review status: criteria provided, single submitter. Criteria: Natera Variant Classification Schema (03/2026). Collection method: clinical testing. Allele origin: germline.
Comment: The c.281G>T variant in BTD is a missense variant predicted to cause substitution of glycine to valine at amino acid 94. This variant is rare in the general population with a frequency below the threshold expected for the associated phenotype(s). This variant has been observed in one or more individuals affected with the associated recessive disease, as either homozygous or compound heterozygous with a second variant (PMID: 15776412, 31801038, 20083419, 27657684). Computational prediction algorithms indicate this variant is likely to affect gene or protein function. Given the available evidence, this variant is classified as Pathogenic.

GeneDx
Classification: Pathogenic. Last evaluated: 2025-01-06. Review status: criteria provided, single submitter. Criteria: GeneDx Variant Classification Process June 2021. Collection method: clinical testing. Allele origin: germline.
Comment: Not observed at significant frequency in large population cohorts (gnomAD); In silico analysis supports that this missense variant has a deleterious effect on protein structure/function; Also known as c.341G>T, p.(G114V); This variant is associated with the following publications: (PMID: 15776412, 25087612, 34136440, 36684547, 29353266, 20549359, 20083419, 27657684, 39688110, 31801038)

Women's Health and Genetics/Laboratory Corporation of America, LabCorp
Classification: Pathogenic for Biotinidase deficiency. Last evaluated: 2022-05-12. Review status: criteria provided, single submitter. Criteria: LabCorp Variant Classification Summary - May 2015. Collection method: clinical testing. Allele origin: germline.
Comment: Variant summary: BTD c.281G>T (p.Gly94Val) results in a non-conservative amino acid change in the encoded protein sequence. Five of five in-silico tools predict a damaging effect of the variant on protein function. The variant allele was found at a frequency of 1.2e-05 in 250516 control chromosomes. c.281G>T has been reported in the literature in individuals affected with Biotinidase Deficiency (Iqbal_2010, Wolf_2017, Carvalho_2020, Maguolo_2021, Milankovics_2010). These data indicate that the variant is likely to be associated with disease. To our knowledge, no experimental evidence demonstrating an impact on protein function has been reported. Five clinical diagnostic laboratories have submitted clinical-significance assessments for this variant to ClinVar after 2014 without evidence for independent evaluation. All laboratories classified the variant as pathogenic/likely pathogenic. Based on the evidence outlined above, the variant was classified as pathogenic.

Ambry Genetics
Classification: Pathogenic for Inborn genetic diseases. Last evaluated: 2022-03-23. Review status: criteria provided, single submitter. Criteria: Ambry Variant Classification Scheme 2023. Collection method: clinical testing. Allele origin: germline.
Comment: The c.341G>T (p.G114V) alteration is located in exon 3 (coding exon 3) of the BTD gene. This alteration results from a G to T substitution at nucleotide position 341, causing the glycine (G) at amino acid position 114 to be replaced by a valine (V). Based on data from gnomAD, the T allele has an overall frequency of <0.01% (3/250516) total alleles studied. The highest observed frequency was 0.01% (2/34484) of Latino alleles. This alteration has been reported in the homozygous and compound heterozygous states in individuals with biotinidase deficiency (Iqbal, 2010; Maguolo, 2021; Wolf, 2005). This alteration is predicted to be deleterious by in silico analysis. Based on the available evidence, this alteration is classified as pathogenic.

Mendelics
Classification: Pathogenic for Biotinidase deficiency. Last evaluated: 2019-05-28. Review status: criteria provided, single submitter. Criteria: Mendelics Assertion Criteria 2017. Collection method: clinical testing. Allele origin: unknown.

Quest Diagnostics Nichols Institute San Juan Capistrano
Classification: Pathogenic. Last evaluated: 2015-12-22. Review status: criteria provided, single submitter. Criteria: Quest Diagnostics criteria. Collection method: clinical testing. Allele origin: germline.

Counsyl
Classification: Likely pathogenic for Biotinidase deficiency. Last evaluated: 2017-12-28. Review status: no assertion criteria provided. Collection method: clinical testing. Allele origin: unknown. Not counted in ClinVar's aggregate classification.

Literature cited by the submitters: PubMed 15776412 (cited by 5 submitters); PubMed 20083419 (cited by 6 submitters); PubMed 27657684 (cited by 5 submitters); PubMed 31801038 (cited by Natera, Inc. and Women's Health and Genetics/Laboratory Corporation of America, LabCorp); PubMed 34136440 (cited by Women's Health and Genetics/Laboratory Corporation of America, LabCorp and Ambry Genetics); PubMed 20549359 (cited by Women's Health and Genetics/Laboratory Corporation of America, LabCorp and Counsyl).

NM_001370658.1(BTD):c.281G>T (p.Gly94Val)

Gene: BTD (biotinidase; plus strand). Cytogenetic location: 3p25.1.
Variant type: single nucleotide variant.
Coding change: c.281G>T on transcript NM_001370658.1 (MANE Select); coding-DNA position 281, G replaced by T.
Protein change: p.Gly94Val; replaces glycine 94 with valine.
Molecular consequence: missense variant.
Genome position (GRCh38, 1-based): chr3:15,641,939, G>T. VCF-style: chr3-15641939-G-T. GRCh37 (hg19) VCF-style: chr3-15683446-G-T.
Other names: c.341G>T, p.Gly114Val (NM_000060.4); c.281G>T, p.Gly94Val (NM_001281723.4, NM_001281724.3, NM_001281725.3 and 36 more transcripts); c.344G>T, p.Gly115Val (NM_001407381.1); short protein forms G94V, G115V.
Identifiers: ClinVar variation 24999 (VCV000024999.27), dbSNP rs375712490, ClinGen allele CA278191.